The following is an entry in ClinVar:

NM_000540.3(RYR1):c.12605C>G (p.Ala4202Gly)

Gene: RYR1 (ryanodine receptor 1; plus strand). Cytogenetic location: 19q13.2.
Variant type: single nucleotide variant.
Coding change: c.12605C>G on transcript NM_000540.3 (MANE Select); coding-DNA position 12605, C replaced by G.
Protein change: p.Ala4202Gly; replaces alanine 4202 with glycine.
Molecular consequence: missense variant.
Genome position (GRCh38, 1-based): chr19:38,561,435, C>G. VCF-style: chr19-38561435-C-G. GRCh37 (hg19) VCF-style: chr19-39052075-C-G.
Other names: c.12590C>G, p.Ala4197Gly (NM_001042723.2); short protein forms A4197G, A4202G.
Identifiers: ClinVar variation 3073258 (VCV003073258.1), dbSNP rs1344865950, ClinGen allele CA405669883.
Genomic context (GRCh38, chr19:38,561,435, plus strand): 5'-TCATGGGCGCGTCACGCCGCATCGAGCGCATCTACTTCGAGATCTCAGAGACCAACCGCG[C>G]CCAGTGGGAGATGCCCCAGGTCAGGGAACCCGCGCGCGTGCAAGCTCGCCTCCTGGGGCT-3'
Protein context (NP_000531.2, residues 4192-4212): IYFEISETNR[Ala4202Gly]QWEMPQVKES

ClinVar aggregate classification (germline): Uncertain significance (1 of 4 stars; one submission).

Conditions:
Malignant hyperthermia, susceptibility to, 1 (MHS1). Also called: Anesthesia related hyperthermia; Malignant hyperpyrexia; Fulminating hyperpyrexia; Pharmacogenic myopathy; RYR1-Related Malignant Hyperthermia Susceptibility; Malignant hyperthermia suceptibility 1. Identifiers: Orphanet 423, MedGen C2930980, MONDO:0007783, OMIM 145600.

Allele frequency attached by ClinVar (database versions not stated): gnomAD exomes below 0.00001.
gnomAD v4.1: 4 of 1,609,462 alleles (0.00025%); highest among the groups gnomAD compares: Non-Finnish European, 0.00034%; no homozygotes.

Submission:

All of Us Research Program, National Institutes of Health
Classification: Uncertain significance for Malignant hyperthermia, susceptibility to, 1. Last evaluated: 2023-08-28. Review status: criteria provided, single submitter. Criteria: ACMG Guidelines, 2015. Collection method: clinical testing. Allele origin: germline. Inheritance: Autosomal dominant inheritance. Observed: 1 variant allele, 1 heterozygote.
Comment: This missense variant replaces alanine with glycine at codon 4202 of the RYR1 protein. Computational prediction suggests that this variant may not impact protein structure and function (internally defined REVEL score threshold <= 0.5, PMID: 27666373). To our knowledge, functional studies have not been reported for this variant. This variant has not been reported in individuals affected with RYR1-related disorders in the literature. This variant has not been identified in the general population by the Genome Aggregation Database (gnomAD). The available evidence is insufficient to determine the role of this variant in disease conclusively. Therefore, this variant is classified as a Variant of Uncertain Significance.

This study involves interpretation of variants in research participants for the purpose of population health screening. Participant phenotype was not available at the time of variant classification. Additional details can be found in publication PMID: 35346344, PMCID: PMC8962531